The following is an entry in ClinVar:

NM_058216.3(RAD51C):c.591G>A (p.Glu197=)

Gene: RAD51C (RAD51 paralog C; plus strand). Cytogenetic location: 17q22.
Variant type: single nucleotide variant.
Coding change: c.591G>A on transcript NM_058216.3 (MANE Select); coding-DNA position 591, G replaced by A.
Protein change: p.Glu197=; no amino-acid change (glutamic acid 197 retained).
Molecular consequence: synonymous variant. On other transcripts: non-coding transcript variant (1).
Genome position (GRCh38, 1-based): chr17:58,703,215, G>A. VCF-style: chr17-58703215-G-A. GRCh37 (hg19) VCF-style: chr17-56780576-G-A.
Other names: c.*19G>A (NM_058217.1).
Identifiers: ClinVar variation 1750495 (VCV001750495.6), dbSNP rs1462774351, ClinGen allele CA501075196.

ClinVar aggregate classification (germline): Benign/Likely benign. Review status: criteria provided, multiple submitters, no conflicts (2 of 4 stars). 3 submissions from 3 submitters: Benign (1); Likely benign (2). Last evaluated 2025-02-18.

Conditions:
Breast-ovarian cancer, familial, susceptibility to, 3. Also called: RAD51C-Related Breast/Ovarian Cancer. Identifiers: Orphanet 145, MedGen C3150659, MONDO:0013253, OMIM 613399.
Hereditary cancer-predisposing syndrome. Also called: Neoplastic Syndromes, Hereditary; Tumor predisposition; Hereditary neoplastic syndrome; Hereditary Cancer Syndrome. Identifiers: Orphanet 140162, MedGen C0027672, MeSH D009386, MONDO:0015356.
Fanconi anemia complementation group O. Also called: RAD51C-Related Fanconi Anemia. Identifiers: Orphanet 84, MedGen C3150653, MONDO:0013248, OMIM 613390.

Allele frequency attached by ClinVar (database versions not stated): gnomAD exomes below 0.00001.
gnomAD v4.1: 1 of 1,611,674 alleles (0.000062%); highest among the groups gnomAD compares: South Asian, 0.0011%; no homozygotes.

Submissions (3):

Myriad Genetics, Inc.
Classification: Benign for Breast-ovarian cancer, familial, susceptibility to, 3. Last evaluated: 2025-02-18. Review status: criteria provided, single submitter. Criteria: Myriad Autosomal Dominant, Autosomal Recessive and X-Linked Classification Criteria (2023). Collection method: clinical testing. Allele origin: unknown.
Comment: This variant is considered benign. This variant is a silent/synonymous amino acid change and it is not expected to impact splicing.

Labcorp Genetics (formerly Invitae), Labcorp
Classification: Likely benign for Fanconi anemia complementation group O. Last evaluated: 2023-04-03. Review status: criteria provided, single submitter. Criteria: Invitae Variant Classification Sherloc (09022015). Collection method: clinical testing. Allele origin: germline.

Ambry Genetics
Classification: Likely benign for Hereditary cancer-predisposing syndrome. Last evaluated: 2020-12-04. Review status: criteria provided, single submitter. Criteria: Ambry Variant Classification Scheme 2023. Collection method: clinical testing. Allele origin: germline.